The following is an entry in ClinVar:

ClinVar aggregate classification (germline): Pathogenic. Review status: criteria provided, multiple submitters, no conflicts (2 of 4 stars). 5 submissions from 5 submitters: Pathogenic (3). 2 of the submissions do not count toward it. Last evaluated 2025-10-01.

Conditions:
WNK1-related disorder. Also called: WNK1-related condition.
Inborn genetic diseases. Identifiers: MedGen C0950123, MeSH D030342.
Neuropathy, hereditary sensory and autonomic, type 2A (HSAN2A). Also called: MORVAN DISEASE; NEUROPATHY, CONGENITAL SENSORY; NEUROPATHY, HEREDITARY SENSORY RADICULAR, AUTOSOMAL RECESSIVE; NEUROPATHY, HEREDITARY SENSORY, TYPE IIA; NEUROPATHY, PROGRESSIVE SENSORY, OF CHILDREN; HSAN IIA. Identifiers: Orphanet 970, MedGen C2752089, MONDO:0024309, OMIM 201300.
Pseudohypoaldosteronism type 2C (PHA2C). Also called: Pseudohypoaldosteronism Type IIC. Identifiers: Orphanet 757, Orphanet 88940, MedGen C1840391, MONDO:0013778, OMIM 614492.

Allele frequency attached by ClinVar (database versions not stated): ExAC 0.00001; gnomAD exomes 0.00001 and 0.00002; TOPMed 0.00001.
gnomAD v4.1: 10 of 1,614,006 alleles (0.00062%); highest among the groups gnomAD compares: Non-Finnish European, 0.00085%; no homozygotes.

Submissions (5):

Labcorp Genetics (formerly Invitae), Labcorp
Classification: Pathogenic for Neuropathy, hereditary sensory and autonomic, type 2A; Pseudohypoaldosteronism type 2C. Last evaluated: 2025-10-01. Review status: criteria provided, single submitter. Criteria: Invitae Variant Classification Sherloc (09022015). Collection method: clinical testing. Allele origin: germline.
Comment: This sequence change creates a premature translational stop signal (p.Gln1101*) in the WNK1 gene. It is expected to result in an absent or disrupted protein product. Loss-of-function variants in WNK1 are known to be pathogenic (PMID: 22910560). This variant is present in population databases (rs111033590, gnomAD 0.004%). This premature translational stop signal has been observed in individual(s) with hereditary sensory and autonomic neuropathy (PMID: 15060842). This variant is also known as c.943C>T (p.Gln315*). ClinVar contains an entry for this variant (Variation ID: 5166). For these reasons, this variant has been classified as Pathogenic.

Ambry Genetics
Classification: Pathogenic for Inborn genetic diseases. Last evaluated: 2022-01-06. Review status: criteria provided, single submitter. Criteria: Ambry Variant Classification Scheme 2023. Collection method: clinical testing. Allele origin: germline.
Comment: The p.Q1101* pathogenic mutation (also known as c.3301C>T), located in coding exon 10 of the WNK1 gene, results from a C to T substitution at nucleotide position 3301. This changes the amino acid from a glutamine to a stop codon within coding exon 10. This alteration was detected in the homozygous state in an individual with hereditary sensory and autonomic neuropathy type II; however, clinical details were limited (Lafreniere RG et al. Am J Hum Genet, 2004 May;74:1064-73). This variant is considered to be rare based on population cohorts in the Genome Aggregation Database (gnomAD). This alteration is expected to result in loss of function by premature protein truncation or nonsense-mediated mRNA decay. As such, this alteration is interpreted as a disease-causing mutation.

Blueprint Genetics
Classification: Pathogenic for WNK1-related disorders. Last evaluated: 2021-09-13. Review status: criteria provided, single submitter. Criteria: ACMG Guidelines, 2015. Collection method: clinical testing. Allele origin: germline. Affected: yes. Observed: 2 variant alleles.

OMIM
Classification: Pathogenic for NEUROPATHY, HEREDITARY SENSORY, TYPE IIA. Last evaluated: 2005-05-24. Review status: no assertion criteria provided. Collection method: literature only. Allele origin: germline. Not counted in ClinVar's aggregate classification.

GeneReviews
No classification provided. Condition: Neuropathy, hereditary sensory and autonomic, type 2A. Review status: no classification provided. Collection method: literature only. Allele origin: germline. Not counted in ClinVar's aggregate classification.
Comment: French Canadian founder variants

Literature cited by the submitters: PubMed 22910560 (cited by Labcorp Genetics (formerly Invitae), Labcorp); PubMed 15060842 (cited by 3 submitters); PubMed 15911806 (cited by OMIM and GeneReviews); PubMed 21089229 (cited by GeneReviews).

NM_213655.5(WNK1):c.3301C>T (p.Gln1101Ter)

Gene: WNK1 (WNK lysine deficient protein kinase 1; plus strand). Cytogenetic location: 12p13.33.
Variant type: single nucleotide variant.
Coding change: c.3301C>T on transcript NM_213655.5 (MANE Plus Clinical); coding-DNA position 3301, C replaced by T.
Protein change: p.Gln1101Ter; replaces glutamine 1101 with a stop codon.
Molecular consequence: nonsense. On other transcripts: intron variant (2).
Genome position (GRCh38, 1-based): chr12:868,772, C>T. VCF-style: chr12-868772-C-T. GRCh37 (hg19) VCF-style: chr12-977938-C-T.
Other names: Q315*; c.3301C>T (NM_213655.4); c.3046C>T, p.Gln1016Ter (NM_001184985.2); c.2140-2493C>T (NM_018979.4, NM_014823.3); short protein forms Q1101*, Q1016*.
Identifiers: ClinVar variation 5166 (VCV000005166.8), dbSNP rs111033590, ClinGen allele CA117301.